The following is an entry in ClinVar:

ClinVar aggregate classification (germline): Likely benign. Review status: criteria provided, multiple submitters, no conflicts (2 of 4 stars). 4 submissions from 4 submitters: Likely benign (4). Last evaluated 2026-09-08.

Conditions:
MYPN-related disorder. Also called: MYPN-related condition.
Cardiovascular phenotype. Identifiers: MedGen CN230736.
Dilated cardiomyopathy 1KK (CMD1KK). Identifiers: Orphanet 154, Orphanet 75249, MedGen C3714995, MONDO:0014100, OMIM 615248.

Allele frequency attached by ClinVar (database versions not stated): gnomAD 0.00006; TOPMed 0.00010.
gnomAD v4.1: 276 of 1,613,996 alleles (0.017%); highest among the groups gnomAD compares: Non-Finnish European, 0.018%; 2 homozygotes.

Submissions (4):

PreventionGenetics, part of Exact Sciences
Classification: Likely benign for MYPN-related condition. Last evaluated: 2026-09-08. Review status: criteria provided, single submitter. Criteria: ACMG Guidelines, 2015. Collection method: clinical testing. Allele origin: germline.
Comment: This variant is classified as likely benign based on ACMG/AMP sequence variant interpretation guidelines (Richards et al. 2015 PMID: 25741868, with internal and published modifications).

Labcorp Genetics (formerly Invitae), Labcorp
Classification: Likely benign for Dilated cardiomyopathy 1KK. Last evaluated: 2026-02-04. Review status: criteria provided, single submitter. Criteria: Invitae Variant Classification Sherloc (09022015). Collection method: clinical testing. Allele origin: germline.

Ambry Genetics
Classification: Likely benign for Cardiovascular phenotype. Last evaluated: 2021-03-19. Review status: criteria provided, single submitter. Criteria: Ambry Variant Classification Scheme 2023. Collection method: clinical testing. Allele origin: germline.

GeneDx
Classification: Likely benign. Last evaluated: 2018-05-03. Review status: criteria provided, single submitter. Criteria: GeneDx Variant Classification (06012015). Collection method: clinical testing. Allele origin: germline. Affected: yes.
Comment: This variant is considered likely benign or benign based on one or more of the following criteria: it is a conservative change, it occurs at a poorly conserved position in the protein, it is predicted to be benign by multiple in silico algorithms, and/or has population frequency not consistent with disease.

NM_032578.4(MYPN):c.1046C>A (p.Thr349Lys)

Gene: MYPN (myopalladin; plus strand). Cytogenetic location: 10q21.3.
Variant type: single nucleotide variant.
Coding change: c.1046C>A on transcript NM_032578.4 (MANE Select); coding-DNA position 1046, C replaced by A.
Protein change: p.Thr349Lys; replaces threonine 349 with lysine.
Molecular consequence: missense variant. On other transcripts: non-coding transcript variant (2).
Genome position (GRCh38, 1-based): chr10:68,143,083, C>A. VCF-style: chr10-68143083-C-A. GRCh37 (hg19) VCF-style: chr10-69902840-C-A.
Other names: c.1046C>A, p.Thr349Lys (NM_001256267.2); c.164C>A, p.Thr55Lys (NM_001256268.2); short protein forms T349K, T55K.
Identifiers: ClinVar variation 412008 (VCV000412008.14), dbSNP rs763819518, ClinGen allele CA5522403.
Genomic context (GRCh38, chr10:68,143,083, plus strand): 5'-CGGAAGCCTTTGAAGAGGACACAGGACGCTATTCCTGCTTTGCTTCTAACATCTATGGGA[C>A]AGATTCGACTTCTGCTGAGATTTATATAGAAGGTAAAACAAAATGCTCTTGGAGTATGAC-3'
Protein context (NP_115967.2, residues 339-359): YSCFASNIYG[Thr349Lys]DSTSAEIYIE